The following is an entry in ClinVar:

NM_020937.4(FANCM):c.2497G>C (p.Asp833His)

Gene: FANCM (FA complementation group M; plus strand). Cytogenetic location: 14q21.2.
Variant type: single nucleotide variant.
Coding change: c.2497G>C on transcript NM_020937.4 (MANE Select); coding-DNA position 2497, G replaced by C.
Protein change: p.Asp833His; replaces aspartic acid 833 with histidine.
Molecular consequence: missense variant.
Genome position (GRCh38, 1-based): chr14:45,175,251, G>C. VCF-style: chr14-45175251-G-C. GRCh37 (hg19) VCF-style: chr14-45644454-G-C.
Other names: c.2419G>C, p.Asp807His (NM_001308133.2); short protein forms D807H, D833H.
Identifiers: ClinVar variation 4841740 (VCV004841740.1).

ClinVar aggregate classification (germline): Uncertain significance (1 of 4 stars; one submission).

Conditions:
Inborn genetic diseases. Identifiers: MedGen C0950123, MeSH D030342.

Submission:

Ambry Genetics
Classification: Uncertain significance for Inborn genetic diseases. Last evaluated: 2025-12-22. Review status: criteria provided, single submitter. Criteria: Ambry Variant Classification Scheme 2023. Collection method: clinical testing. Allele origin: germline.
Comment: The p.D833H variant (also known as c.2497G>C), located in coding exon 14 of the FANCM gene, results from a G to C substitution at nucleotide position 2497. The aspartic acid at codon 833 is replaced by histidine, an amino acid with similar properties. This amino acid position is conserved. In addition, this alteration is predicted to be tolerated by in silico analysis. Based on the available evidence, the clinical significance of this variant remains unclear.